The following is an entry in ClinVar:

ClinVar aggregate classification (germline): Uncertain significance (1 of 4 stars; one submission).

Allele frequency attached by ClinVar (database versions not stated): gnomAD exomes below 0.00001.
gnomAD v4.1: 4 of 1,614,116 alleles (0.00025%); highest among the groups gnomAD compares: Non-Finnish European, 0.00034%; no homozygotes.

Submission:

GeneDx
Classification: Uncertain significance. Last evaluated: 2023-02-20. Review status: criteria provided, single submitter. Criteria: GeneDx Variant Classification Process June 2021. Collection method: clinical testing. Allele origin: germline. Affected: yes.
Comment: Not observed at significant frequency in large population cohorts (gnomAD); In silico analysis supports that this missense variant does not alter protein structure/function; Has not been previously published as pathogenic or benign to our knowledge

NM_006766.5(KAT6A):c.2272G>A (p.Ala758Thr)

Gene: KAT6A (lysine acetyltransferase 6A; minus strand). Cytogenetic location: 8p11.21.
Variant type: single nucleotide variant.
Coding change: c.2272G>A on transcript NM_006766.5 (MANE Select); coding-DNA position 2272, G replaced by A.
Protein change: p.Ala758Thr; replaces alanine 758 with threonine.
Molecular consequence: missense variant.
Genome position (GRCh38, 1-based): chr8:41,942,957, C>T on the plus strand (G>A on the coding strand, the complement: KAT6A is on the minus strand). VCF-style: chr8-41942957-C-T. GRCh37 (hg19) VCF-style: chr8-41800475-C-T.
Other names: c.2272G>A, p.Ala758Thr (NM_001305878.2); short protein forms A758T.
Identifiers: ClinVar variation 2576659 (VCV002576659.1), dbSNP rs2486775257, ClinGen allele CA371072834.
Genomic context (GRCh38, chr8:41,942,957, plus strand): 5'-GAGTCCAGCGCAAACATTCTGGATCTACATCTACAGGTCGCAAATTCAGCTGAAGCTTTG[C>T]CATGTGATCCTGGATAAGTTTTTCCCGGCGGATAATCACAAATCTGGAACCAGAGAAAAG-3'
Protein context (NP_006757.2, residues 748-768): RREKLIQDHM[Ala758Thr]KLQLNLRPVD